The following is an entry in ClinVar:

NM_014780.5(CUL7):c.4453del (p.Glu1485fs)

Gene: CUL7 (cullin 7; minus strand). Cytogenetic location: 6p21.1.
Variant type: Deletion.
Coding change: c.4453del on transcript NM_014780.5 (MANE Select); coding-DNA position 4453, one base deleted (G; older notation c.4453delG).
Protein change: p.Glu1485fs; shifts the reading frame from glutamic acid 1485.
Molecular consequence: frameshift variant.
Genome position (GRCh38, 1-based): chr6:43,038,680, C deleted on the plus strand (G on the coding strand, the reverse complement: CUL7 is on the minus strand); the first of 2 consecutive C bases (chr6:43,038,680-43,038,681); deleting either gives the same sequence. VCF-style (leftmost placement, unchanged base first): chr6-43038679-TC-T. GRCh37 (hg19) VCF-style: chr6-43006417-TC-T.
Other names: c.4549del, p.Glu1517fs (NM_001168370.2, NM_001374872.1); c.4453del, p.Glu1485fs (NM_001374873.1); c.4450del, p.Glu1484fs (NM_001374874.1); short protein forms E1484fs, E1517fs, E1485fs.
Identifiers: ClinVar variation 3678828 (VCV003678828.2).

ClinVar aggregate classification (germline): Pathogenic (1 of 4 stars; one submission).

Submission:

Labcorp Genetics (formerly Invitae), Labcorp
Classification: Pathogenic. Last evaluated: 2024-09-16. Review status: criteria provided, single submitter. Criteria: Invitae Variant Classification Sherloc (09022015). Collection method: clinical testing. Allele origin: germline.
Comment: This sequence change creates a premature translational stop signal (p.Glu1485Argfs*83) in the CUL7 gene. It is expected to result in an absent or disrupted protein product. Loss-of-function variants in CUL7 are known to be pathogenic (PMID: 16142236, 17675530, 19225462). This variant is not present in population databases (gnomAD no frequency). This variant has not been reported in the literature in individuals affected with CUL7-related conditions. For these reasons, this variant has been classified as Pathogenic.

Literature cited by the submitters: PubMed 16142236; PubMed 17675530; PubMed 19225462.